The following is an entry in ClinVar:

ClinVar aggregate classification (germline): Pathogenic/Likely pathogenic. Review status: criteria provided, multiple submitters, no conflicts (2 of 4 stars). 29 submissions from 28 submitters: Pathogenic (22); Likely pathogenic (2). 5 of the submissions do not count toward it. Last evaluated 2026-09-17.

Conditions:
ARSA-related disorder. Also called: ARSA-related condition.
Inborn genetic diseases. Identifiers: MedGen C0950123, MeSH D030342.
Metachromatic leukodystrophy, juvenile type. Also called: Metachromatic leukodystrophy, juvenile form. Identifiers: Orphanet 309263, MedGen C0751276, MONDO:0009591.
Metachromatic leukodystrophy, adult type. Also called: Metachromatic leukodystrophy, adult form. Identifiers: Orphanet 309271, MedGen C0751279, MONDO:0017730.
Metachromatic leukodystrophy (MLD). Also called: METACHROMATIC LEUKOENCEPHALOPATHY; ARSA DEFICIENCY; CEREBROSIDE SULFATASE DEFICIENCY; SULFATIDE LIPIDOSIS; Arylsulfatase A Deficiency; Cerebral sclerosis diffuse metachromatic form. Identifiers: Orphanet 512, MedGen C0023522, MONDO:0018868, OMIM 250100.

Allele frequency attached by ClinVar (database versions not stated): TOPMed 0.00014; gnomAD exomes 0.00019 and 0.00023; ExAC 0.00022; gnomAD 0.00027 and 0.00029.
gnomAD v4.1: 317 of 1,612,680 alleles (0.02%); highest among the groups gnomAD compares: Non-Finnish European, 0.023%; 1 homozygote.

Submissions 1 to 16 of 29:

Laboratory of Experimental Gene Therapy of Hereditary Metabolic Diseases, Research Centre for Medical Genetics
Classification: Likely pathogenic for Metachromatic leukodystrophy. Last evaluated: 2026-09-17. Review status: criteria provided, single submitter. Criteria: ARSA MLD Assertion Criteria V2 2026 09 18. Collection method: clinical testing. Allele origin: germline. Inheritance: Autosomal recessive inheritance. Observed: 33 variant alleles, 4 heterozygotes, 29 compound heterozygotes.
Comment: The previously reported Likely pathogenic classification was reviewed and retained for the accompanying study. External ClinVar record reviewed: VCV000003057.103. Observations from the present referral series were not used to establish pathogenicity.

CeGaT Center for Human Genetics Tuebingen
Classification: Pathogenic. Last evaluated: 2026-06-01. Review status: criteria provided, single submitter. Criteria: CeGaT Center For Human Genetics Tuebingen Variant Classification Criteria Version 2. Collection method: clinical testing. Allele origin: germline. Affected: yes. Observed: 6 variant alleles.
Comment: ARSA: PM3:Very Strong, PM2, PS3:Supporting

Labcorp Genetics (formerly Invitae), Labcorp
Classification: Pathogenic for Metachromatic leukodystrophy. Last evaluated: 2026-01-04. Review status: criteria provided, single submitter. Criteria: Invitae Variant Classification Sherloc (09022015). Collection method: clinical testing. Allele origin: germline.
Comment: This sequence change replaces isoleucine, which is neutral and non-polar, with serine, which is neutral and polar, at codon 181 of the ARSA protein (p.Ile181Ser). This variant is present in population databases (rs74315457, gnomAD 0.05%). This missense change has been observed in individual(s) with metachromatic leukodystrophy (PMID: 1684088, 9096767, 12081727, 26462614, 26890752). It has also been observed to segregate with disease in related individuals. This variant is also known as c.536T>G, p.Ile179Ser. ClinVar contains an entry for this variant (Variation ID: 3057). Invitae Evidence Modeling of protein sequence and biophysical properties (such as structural, functional, and spatial information, amino acid conservation, physicochemical variation, residue mobility, and thermodynamic stability) indicates that this missense variant is expected to disrupt ARSA protein function with a positive predictive value of 95%. Experimental studies have shown that this missense change affects ARSA function (PMID: 1684088, 9600244). For these reasons, this variant has been classified as Pathogenic.

PreventionGenetics, part of Exact Sciences
Classification: Pathogenic for ARSA-related condition. Last evaluated: 2025-11-24. Review status: criteria provided, single submitter. Criteria: ACMG Guidelines, 2015. Collection method: clinical testing. Allele origin: germline.
Comment: The ARSA c.542T>G variant is predicted to result in the amino acid substitution p.Ile181Ser. This variant was identified in the compound heterozygous state with a second pathogenic variant in patients with metachromatic Leukodystrophy (Fluharty et al. 1991. PubMed ID: 1684088; reported as E3P799 and Cesani et al. 2016. PubMed ID: 26462614). This variant is reported in 0.050% of alleles in individuals of European (Non-Finnish) descent in gnomAD. This variant is interpreted as pathogenic.

Natera, Inc.
Classification: Pathogenic for Metachromatic leukodystrophy. Last evaluated: 2025-09-24. Review status: criteria provided, single submitter. Criteria: Natera Variant Classification Schema (03/2026). Collection method: clinical testing. Allele origin: germline.
Comment: The c.542T>G variant in ARSA is a missense variant predicted to cause substitution of isoleucine to serine at amino acid 181. This variant is rare in the general population with a frequency below the threshold expected for the associated phenotype(s). This variant has been observed in one or more individuals affected with the associated recessive disease, as either homozygous or compound heterozygous with a second variant (PMID: 18693274, 25965562, 33855715). Computational prediction algorithms indicate this variant is likely to affect gene or protein function. Given the available evidence, this variant is classified as Pathogenic.

Laboratory of Genetics, Children's Clinical University Hospital Latvia
Classification: Pathogenic. Last evaluated: 2025-02-16. Review status: criteria provided, single submitter. Criteria: ACMG Guidelines, 2015. Collection method: clinical testing. Allele origin: germline. Affected: yes.

Blueprint Genetics
Classification: Pathogenic for ARSA-related disorders. Last evaluated: 2024-11-21. Review status: criteria provided, single submitter. Criteria: ACMG Guidelines, 2015. Collection method: clinical testing. Allele origin: germline. Affected: yes. Observed: 5 variant alleles.

Mayo Clinic Laboratories, Mayo Clinic
Classification: Pathogenic. Last evaluated: 2024-05-06. Review status: criteria provided, single submitter. Criteria: ACMG Guidelines, 2015. Collection method: clinical testing. Allele origin: germline.
Comment: PP3, PS3, PS4

Fulgent Genetics
Classification: Pathogenic for Metachromatic leukodystrophy. Last evaluated: 2024-04-17. Review status: criteria provided, single submitter. Criteria: ACMG Guidelines, 2015. Collection method: clinical testing. Allele origin: germline.

Laboratory of Medical Genetics, National & Kapodistrian University of Athens
Classification: Pathogenic for Metachromatic leukodystrophy. Last evaluated: 2024-02-01. Review status: criteria provided, single submitter. Criteria: ACMG Guidelines, 2015. Collection method: curation. Allele origin: germline. Affected: no.

Department of Pathology and Laboratory Medicine, Sinai Health System
Classification: Pathogenic for Metachromatic leukodystrophy. Last evaluated: 2022-07-28. Review status: criteria provided, single submitter. Criteria: ACMG Guidelines, 2015. Collection method: research. Allele origin: germline.

Laboratory for Molecular Genetic Diagnostic of Neurological Diseases, University of Belgrade, School of Medicine
Classification: Pathogenic for Metachromatic leukodystrophy. Last evaluated: 2021-07-01. Review status: criteria provided, single submitter. Criteria: ACMG Guidelines, 2015. Collection method: clinical testing. Allele origin: unknown. Inheritance: Autosomal recessive inheritance. Affected: yes. Observed: 1 compound heterozygote.

GeneDx
Classification: Pathogenic. Last evaluated: 2021-05-18. Review status: criteria provided, single submitter. Criteria: GeneDx Variant Classification Process June 2021. Collection method: clinical testing. Allele origin: germline. Affected: yes.
Comment: Published functional studies demonstrate a damaging effect, specifically, I181S results in approximately 5% residual arylsulfatase A activity, compared to wildtype (Fluharty et al., 1991); In silico analysis, which includes protein predictors and evolutionary conservation, supports a deleterious effect; This variant is associated with the following publications: (PMID: 12081727, 31684987, 20301309, 9600244, 26462614, 28762252, 26890752, 18786133, 21896413, 30083785, 31186049, 31262576, 18693274, 31980526, 1684088, 9096767, 32632536, 31589614)

Athena Diagnostics
Classification: Pathogenic. Last evaluated: 2021-01-13. Review status: criteria provided, single submitter. Criteria: Athena Diagnostics criteria. Collection method: clinical testing. Allele origin: unknown.
Comment: This variant is one of the most common variants associated with autosomal recessive metachromatic leukodystrophy in the European population (PMID 15952986, 9096767), therefore The frequency of this variant in the general population is consistent with pathogenicity. This variant appears to segregate with disease in at least one family, however, the available information does not rule out segregation due to chance. This variant is also referred to as c.536T>G (p.Ile179Ser) in published literature. Assessment of experimental evidence suggests this variant results in abnormal protein function. This variant was shown to significantly reduce arylsulfatase A activity (PMID 1684088). In multiple individuals, this variant has been seen with a single recessive pathogenic variant in the same gene, suggesting this variant may also be pathogenic. Computational tools predict that this variant is damaging.

Institute of Medical Genetics and Applied Genomics, University Hospital Tübingen
Classification: Pathogenic. Last evaluated: 2020-10-23. Review status: criteria provided, single submitter. Criteria: ACMG Guidelines, 2015. Collection method: clinical testing. Allele origin: germline. Inheritance: Autosomal recessive inheritance. Affected: yes.

Revvity Omics, Revvity
Classification: Likely pathogenic for Metachromatic leukodystrophy. Last evaluated: 2020-02-27. Review status: criteria provided, single submitter. Criteria: ACMG Guidelines, 2015. Collection method: clinical testing. Allele origin: germline.

NM_000487.6(ARSA):c.542T>G (p.Ile181Ser)

Gene: ARSA (arylsulfatase A; minus strand). Cytogenetic location: 22q13.33.
Variant type: single nucleotide variant.
Coding change: c.542T>G on transcript NM_000487.6 (MANE Select); coding-DNA position 542, T replaced by G.
Protein change: p.Ile181Ser; replaces isoleucine 181 with serine.
Molecular consequence: missense variant.
Genome position (GRCh38, 1-based): chr22:50,626,976, A>C on the plus strand (T>G on the coding strand, the complement: ARSA is on the minus strand). VCF-style: chr22-50626976-A-C. GRCh37 (hg19) VCF-style: chr22-51065404-A-C.
Other names: I179S; NP_000478.3:p.(Ile181Ser); c.542T>G, p.Ile181Ser (NM_001085425.3, NM_001085426.3, NM_001085427.3); c.284T>G, p.Ile95Ser (NM_001085428.3, NM_001362782.2); short protein forms I181S, I95S.
Identifiers: ClinVar variation 3057 (VCV000003057.107), dbSNP rs74315457, ClinGen allele CA115962.
Genomic context (GRCh38, chr22:50,626,976, plus strand): 5'-GCCTCTAGTCCGGGCAGCCAGGGGGGCTGCGCCTCCACGGACAGGTTGGCCAACAGTGGG[A>C]TGGGGACCAGGCCCTGGTCACAGCCACCGTCGCAAGGAGTGGCCGGCGGGAAGCAGGTCA-3'
Protein context (NP_000478.3, residues 171-191): DGGCDQGLVP[Ile181Ser]PLLANLSVEA